The following is an entry in ClinVar:

NM_201384.3(PLEC):c.6491A>G (p.Asp2164Gly)

Gene: PLEC (plectin; minus strand). Cytogenetic location: 8q24.3.
Variant type: single nucleotide variant.
Coding change: c.6491A>G on transcript NM_201384.3 (MANE Select); coding-DNA position 6491, A replaced by G.
Protein change: p.Asp2164Gly; replaces aspartic acid 2164 with glycine.
Molecular consequence: missense variant.
Genome position (GRCh38, 1-based): chr8:143,923,438, T>C on the plus strand (A>G on the coding strand, the complement: PLEC is on the minus strand). VCF-style: chr8-143923438-T-C. GRCh37 (hg19) VCF-style: chr8-144997606-T-C.
Other names: c.6572A>G, p.Asp2191Gly (NM_000445.5); c.6449A>G, p.Asp2150Gly (NM_201378.4); c.6425A>G, p.Asp2142Gly (NM_201379.3); c.6902A>G, p.Asp2301Gly (NM_201380.4); c.6395A>G, p.Asp2132Gly (NM_201381.3); c.6491A>G, p.Asp2164Gly (NM_201382.4); c.6503A>G, p.Asp2168Gly (NM_201383.3); short protein forms D2164G, D2132G, D2168G, D2301G, D2142G, D2150G, D2191G.
Identifiers: ClinVar variation 2184662 (VCV002184662.4), dbSNP rs1823651693, ClinGen allele CA372533906.

ClinVar aggregate classification (germline): Uncertain significance (1 of 4 stars; one submission).

Conditions:
Epidermolysis bullosa simplex 5B, with muscular dystrophy (EBS5B). Also called: EPIDERMOLYSIS BULLOSA SIMPLEX AND LIMB-GIRDLE MUSCULAR DYSTROPHY; Epidermolysis bullosa simplex with muscular dystrophy. Identifiers: Orphanet 257, MedGen C2931072, MONDO:0009181, OMIM 226670.
Autosomal recessive limb-girdle muscular dystrophy type 2Q (LGMDR17). Also called: MUSCULAR DYSTROPHY, LIMB-GIRDLE, AUTOSOMAL RECESSIVE 17. Identifiers: Orphanet 254361, MedGen C3150989, MONDO:0013390, OMIM 613723.
Epidermolysis bullosa simplex, Ogna type (EBS5A). Also called: Pidermolysis bullosa simplex 5A, Ogna type; EPIDERMOLYSIS BULLOSA SIMPLEX 5A, OGNA TYPE. Identifiers: Orphanet 79401, MedGen C0432317, MONDO:0007555, OMIM 131950.
Epidermolysis bullosa simplex 5C, with pyloric atresia (EBS5C). Also called: PLEC-Related Epidermolysis Bullosa with Pyloric Atresia; Epidermolysis bullosa simplex with pyloric atresia; PLEC1-Related Epidermolysis Bullosa with Pyloric Atresia. Identifiers: Orphanet 158684, MedGen C2677349, MONDO:0012807, OMIM 612138.
Epidermolysis bullosa simplex with nail dystrophy (EBS5D). Identifiers: MedGen C4225309, MONDO:0014661, OMIM 616487.

Allele frequency attached by ClinVar (database versions not stated): TOPMed 0.00001.
gnomAD v4.1: 9 of 1,609,552 alleles (0.00056%); highest among the groups gnomAD compares: Middle Eastern, 0.017%; no homozygotes.

Submission:

Labcorp Genetics (formerly Invitae), Labcorp
Classification: Uncertain significance for Autosomal recessive limb-girdle muscular dystrophy type 2Q; Epidermolysis bullosa simplex, Ogna type; Epidermolysis bullosa simplex with nail dystrophy; Epidermolysis bullosa simplex 5C, with pyloric atresia; Epidermolysis bullosa simplex 5B, with muscular dystrophy. Last evaluated: 2022-10-30. Review status: criteria provided, single submitter. Criteria: Invitae Variant Classification Sherloc (09022015). Collection method: clinical testing. Allele origin: germline.
Comment: This sequence change replaces aspartic acid, which is acidic and polar, with glycine, which is neutral and non-polar, at codon 2191 of the PLEC protein (p.Asp2191Gly). This variant is not present in population databases (gnomAD no frequency). This variant has not been reported in the literature in individuals affected with PLEC-related conditions. Algorithms developed to predict the effect of missense changes on protein structure and function (SIFT, PolyPhen-2, Align-GVGD) all suggest that this variant is likely to be disruptive. In summary, the available evidence is currently insufficient to determine the role of this variant in disease. Therefore, it has been classified as a Variant of Uncertain Significance.